The following is an entry in ClinVar:

NM_024757.5(EHMT1):c.916G>A (p.Val306Ile)

Gene: EHMT1 (euchromatic histone lysine methyltransferase 1; plus strand). Cytogenetic location: 9q34.3.
Variant type: single nucleotide variant.
Coding change: c.916G>A on transcript NM_024757.5 (MANE Select); coding-DNA position 916, G replaced by A.
Protein change: p.Val306Ile; replaces valine 306 with isoleucine.
Molecular consequence: missense variant.
Genome position (GRCh38, 1-based): chr9:137,743,463, G>A. VCF-style: chr9-137743463-G-A. GRCh37 (hg19) VCF-style: chr9-140637915-G-A.
Other names: c.916G>A, p.Val306Ile (NM_001145527.2, NM_001354611.2); c.823G>A, p.Val275Ile (NM_001354259.2, NM_001354612.2); c.895G>A, p.Val299Ile (NM_001354263.2); short protein forms V299I, V275I, V306I.
Identifiers: ClinVar variation 1488724 (VCV001488724.6), dbSNP rs780215981, ClinGen allele CA375777962.

ClinVar aggregate classification (germline): Uncertain significance (1 of 4 stars; one submission).

Conditions:
Kleefstra syndrome 1 (KLEFS1). Identifiers: Orphanet 261494, MedGen C0795833, MONDO:0027407, OMIM 610253.

Allele frequency attached by ClinVar (database versions not stated): TOPMed 0.00002; gnomAD exomes below 0.00001.
gnomAD v4.1: 4 of 1,613,760 alleles (0.00025%); highest among the groups gnomAD compares: Non-Finnish European, 0.00034%; no homozygotes.

Submission:

Labcorp Genetics (formerly Invitae), Labcorp
Classification: Uncertain significance for Kleefstra syndrome 1. Last evaluated: 2021-11-13. Review status: criteria provided, single submitter. Criteria: Invitae Variant Classification Sherloc (09022015). Collection method: clinical testing. Allele origin: germline.
Comment: In summary, the available evidence is currently insufficient to determine the role of this variant in disease. Therefore, it has been classified as a Variant of Uncertain Significance. Algorithms developed to predict the effect of missense changes on protein structure and function are either unavailable or do not agree on the potential impact of this missense change (SIFT: "Deleterious"; PolyPhen-2: "Probably Damaging"; Align-GVGD: "Class C0"). This variant has not been reported in the literature in individuals affected with EHMT1-related conditions. This variant is present in population databases (no rsID available, gnomAD 0.0009%). This sequence change replaces valine, which is neutral and non-polar, with isoleucine, which is neutral and non-polar, at codon 306 of the EHMT1 protein (p.Val306Ile).